The following is an entry in ClinVar:

ClinVar aggregate classification (germline): Uncertain significance. Review status: criteria provided, multiple submitters, no conflicts (2 of 4 stars). 2 submissions from 2 submitters: Uncertain significance (2). Last evaluated 2021-08-30.

Conditions:
Fucosidosis. Also called: ALPHA-L-FUCOSIDASE DEFICIENCY. Identifiers: Orphanet 349, MedGen C0016788, MONDO:0009254, OMIM 230000.

Submissions (2):

Labcorp Genetics (formerly Invitae), Labcorp
Classification: Uncertain significance for Fucosidosis. Last evaluated: 2021-08-30. Review status: criteria provided, single submitter. Criteria: Invitae Variant Classification Sherloc (09022015). Collection method: clinical testing. Allele origin: germline.
Comment: This variant, c.57_59dup, results in the insertion of 1 amino acid(s) to the FUCA1 protein (p.Leu20dup), but otherwise preserves the integrity of the reading frame. The frequency data for this variant in the population databases is considered unreliable, as metrics indicate poor data quality at this position in the ExAC database. This variant has not been reported in the literature in individuals affected with FUCA1-related conditions. Experimental studies and prediction algorithms are not available or were not evaluated, and the functional significance of this variant is currently unknown. In summary, the available evidence is currently insufficient to determine the role of this variant in disease. Therefore, it has been classified as a Variant of Uncertain Significance.

Revvity Omics, Revvity
Classification: Uncertain significance for Fucosidosis. Last evaluated: 2021-02-10. Review status: criteria provided, single submitter. Criteria: ACMG Guidelines, 2015. Collection method: clinical testing. Allele origin: germline.

NM_000147.5(FUCA1):c.48GCT[5] (p.Leu20dup)

Gene: FUCA1 (alpha-L-fucosidase 1; minus strand). Cytogenetic location: 1p36.11.
Variant type: Microsatellite.
Coding change: c.48GCT[5] on transcript NM_000147.5 (MANE Select); five copies in a row of the 3-base unit GCT starting at c.48; the reference has four copies in a row; one copy, 3 bases duplicated; also written c.57_59dup.
Protein change: p.Leu20dup; duplicates leucine 20.
Molecular consequence: inframe insertion.
Genome position (GRCh38, 1-based): chr1:23,868,228-23,868,230, AGC duplicated on the plus strand (GCT on the coding strand, the reverse complement: FUCA1 is on the minus strand); duplicating any 3 consecutive bases within chr1:23,868,228-23,868,240 gives the same sequence; the position shown is the placement nearest the transcript's 3' end. VCF-style (leftmost placement, unchanged base first): chr1-23868227-G-GAGC. GRCh37 (hg19) VCF-style: chr1-24194717-G-GAGC.
Other names: c.57_59dup (NM_000147.4).
Identifiers: ClinVar variation 1441133 (VCV001441133.5), dbSNP rs756742678, ClinGen allele CA686628.